The following is an entry in ClinVar:

NM_004393.6(DAG1):c.2214C>T (p.Asp738=)

Gene: DAG1 (dystroglycan 1; plus strand). Cytogenetic location: 3p21.31.
Variant type: single nucleotide variant.
Coding change: c.2214C>T on transcript NM_004393.6 (MANE Select); coding-DNA position 2214, C replaced by T.
Protein change: p.Asp738=; no amino-acid change (aspartic acid 738 retained).
Molecular consequence: synonymous variant.
Genome position (GRCh38, 1-based): chr3:49,532,725, C>T. VCF-style: chr3-49532725-C-T. GRCh37 (hg19) VCF-style: chr3-49570158-C-T.
Other names: c.2214C>T, p.Asp738= (NM_001165928.4, NM_001177634.3, NM_001177635.3 and 9 more transcripts).
Identifiers: ClinVar variation 504959 (VCV000504959.4), dbSNP rs754599980, ClinGen allele CA433840176.

ClinVar aggregate classification (germline): Likely benign (1 of 4 stars; one submission).

gnomAD v4.1: 4 of 1,614,188 alleles (0.00025%); highest among the groups gnomAD compares: South Asian, 0.0011%; no homozygotes.

Submission:

Laboratory for Molecular Medicine, Mass General Brigham Personalized Medicine
Classification: Likely benign. Last evaluated: 2016-05-11. Review status: criteria provided, single submitter. Criteria: LMM Criteria. Collection method: clinical testing. Allele origin: germline. Observed: 1 variant allele.
Comment: p.Asp738Asp in exon 6C of DAG1: This variant is not expected to have clinical si gnificance because it does not alter an amino acid residue and is not located wi thin the splice consensus sequence.